The following is an entry in ClinVar:

ClinVar aggregate classification (germline): Likely pathogenic (1 of 4 stars; one submission).

Conditions:
Alport syndrome. Also called: Hemorrhagic familial nephritis; Hemorrhagic hereditary nephritis; Congenital hereditary hematuria. Identifiers: Orphanet 63, MedGen C1567741, MONDO:0018965.

Submission:

Natera, Inc.
Classification: Likely pathogenic for Alport syndrome. Last evaluated: 2025-09-04. Review status: criteria provided, single submitter. Criteria: Natera Variant Classification Schema (03/2026). Collection method: clinical testing. Allele origin: germline.
Comment: The c.3629G>T variant in COL4A4 is a missense variant predicted to cause substitution of glycine to valine at amino acid 1210. This variant is rare in the general population with a frequency below the threshold expected for the associated phenotype(s). This variant is located in a functionally critical region of the protein. Computational prediction algorithms indicate this variant is likely to affect gene or protein function. Given the available evidence, this variant is classified as Likely Pathogenic.

NM_000092.5(COL4A4):c.3629G>T (p.Gly1210Val)

Gene: COL4A4 (collagen type IV alpha 4 chain; minus strand). Cytogenetic location: 2q36.3.
Variant type: single nucleotide variant.
Coding change: c.3629G>T on transcript NM_000092.5 (MANE Select); coding-DNA position 3629, G replaced by T.
Protein change: p.Gly1210Val; replaces glycine 1210 with valine.
Molecular consequence: missense variant.
Genome position (GRCh38, 1-based): chr2:227,032,225, C>A on the plus strand (G>T on the coding strand, the complement: COL4A4 is on the minus strand). VCF-style: chr2-227032225-C-A. GRCh37 (hg19) VCF-style: chr2-227896941-C-A.
Other names: short protein forms G1210V.
Identifiers: ClinVar variation 4817336 (VCV004817336.1).